The following is an entry in ClinVar:

NM_001283009.2(RTEL1):c.3802T>C (p.Cys1268Arg)

Genes: RTEL1 (regulator of telomere elongation helicase 1; plus strand), RTEL1-TNFRSF6B (RTEL1-TNFRSF6B readthrough (NMD candidate); plus strand). Cytogenetic location: 20q13.33.
Variant type: single nucleotide variant.
Coding change: c.3802T>C on transcript NM_001283009.2 (MANE Select); coding-DNA position 3802, T replaced by C.
Protein change: p.Cys1268Arg; replaces cysteine 1268 with arginine.
Molecular consequence: missense variant. On other transcripts: non-coding transcript variant (1), intron variant (3).
Genome position (GRCh38, 1-based): chr20:63,695,630, T>C. VCF-style: chr20-63695630-T-C. GRCh37 (hg19) VCF-style: chr20-62326983-T-C.
Other names: c.2984-148T>C (NM_001283010.1); c.3725-148T>C (NM_032957.5); c.3653-148T>C (NM_016434.4); short protein forms C1268R.
Identifiers: ClinVar variation 4816357 (VCV004816357.1).
Genomic context (GRCh38, chr20:63,695,630, plus strand): 5'-GGGGCAGAGGACGTGGTGCCCTTCCAGTGCCCTGCCTGTGACTTCCAGCGCTGCCAAGCC[T>C]GCTGGCAACGGCACCTTCAGGTTGGTGCCTGGCCACTACAGTTCCTGCTGGGTGTAGCCC-3'
Protein context (NP_001269938.1, residues 1258-1278): PACDFQRCQA[Cys1268Arg]WQRHLQASRM

ClinVar aggregate classification (germline): Likely pathogenic (1 of 4 stars; one submission).

Conditions:
Dyskeratosis congenita. Identifiers: Orphanet 1775, MedGen C0265965, MONDO:0015780.

Submission:

Natera, Inc.
Classification: Likely pathogenic for Dyskeratosis congenita. Last evaluated: 2025-12-30. Review status: criteria provided, single submitter. Criteria: Natera Variant Classification Schema (03/2026). Collection method: clinical testing. Allele origin: germline.
Comment: The c.3725-148T>C variant in RTEL1 is an intronic variant located outside the canonical splice sites. This variant is rare in the general population with a frequency below the threshold expected for the associated phenotype(s). This variant has been observed in one or more individuals affected with the associated recessive disease, as either homozygous or compound heterozygous with a second variant (PMID: 29296694, 37934624, 36776130). This variant has been identified in one or more affected individual with a phenotype highly consistent with the associated gene (PMID: 29296694, 36776130). Computational prediction algorithms indicate this variant is likely to affect gene or protein function. Given the available evidence, this variant is classified as Likely Pathogenic.

Literature cited by the submitters: PubMed 29296694; PubMed 37934624; PubMed 36776130.